The following is an entry in ClinVar:

NM_152906.7(TANGO2):c.146-3605_451+2245del

Gene: TANGO2 (transport and golgi organization 2 homolog; plus strand). Cytogenetic location: 22q11.21.
Variant type: Deletion.
Coding change: c.146-3605_451+2245del on transcript NM_152906.7 (MANE Select); 3605 bases into the intron before coding-DNA position 146 through 2245 bases into the intron after coding-DNA position 451, 9,399 bases deleted.
Molecular consequence: splice acceptor variant, splice donor variant. On other transcripts: initiator codon variant (12).
Genome position (GRCh38, 1-based): chr22:20,048,860-20,058,258, 9,399 bases deleted. GRCh37 (hg19): chr22:20,036,383-20,045,781.
Other names: TANGO2, EX4-6 DEL; TANGO2, 9-KB DEL; c.146-3605_451+2245del (NM_001283106.3, NM_001283154.3, NM_001322142.2 and 2 more transcripts); c.146-3605_266-3272del (NM_001322163.2, NM_001283179.3, NM_001322167.2 and 3 more transcripts); c.-34-3605_157+2245del (NM_001322174.2, NM_001322172.2, NM_001322175.2 and 6 more transcripts); c.-34-3605_349+2245del (NM_001322160.2, NM_001322146.2, NM_001322148.2); c.269-3605_574+2245del (NM_001322143.2, NM_001322141.2, NM_001283129.3 and 2 more transcripts); c.269-3605_389-3272del (NM_001322145.2, NM_001322147.2); and 3 more.
Identifiers: ClinVar variation 224772 (VCV000224772.5), ClinGen allele CA358724.

ClinVar aggregate classification (germline): Pathogenic. Review status: criteria provided, single submitter (1 of 4 stars). 2 submissions from 2 submitters: Pathogenic (1). 1 of the submissions does not count toward it. Last evaluated 2015-09-01.

Conditions:
Recurrent metabolic encephalomyopathic crises-rhabdomyolysis-cardiac arrhythmia-intellectual disability syndrome (MECRCN). Also called: METABOLIC CRISES, RECURRENT, WITH RHABDOMYOLYSIS, CARDIAC ARRHYTHMIAS, AND NEURODEGENERATION; Metabolic encephalomyopathic crises, recurrent, with rhabdomyolysis, cardiac arrhythmias, and neurodegeneration; TANGO2 Deficiency. Identifiers: Orphanet 480864, MedGen C5567524, MONDO:0018820, OMIM 616878.
Acute rhabdomyolysis. Identifiers: MedGen C3807306, HP:0008942.
Cardiac arrhythmia. Also called: Arrhythmia; Cardiac rhythm disease. Identifiers: MedGen C0003811, MONDO:0007263, HP:0011675.
Seizure. Also called: Seizures. Identifiers: MedGen C0036572, HP:0001250.
Intellectual disability. Also called: Intellectual functioning disability; Intellectual developmental disorder; intellectual disabilities. Identifiers: MedGen C3714756, MeSH D008607, MONDO:0001071, HP:0001249.
Episodic flaccid weakness. Identifiers: MedGen C4025572, HP:0003752.

Submissions (2):

Baylor Genetics
Classification: Pathogenic for Acute rhabdomyolysis; Episodic flaccid weakness; Intellectual disability; Seizures; Arrhythmia. Last evaluated: 2015-09-01. Review status: criteria provided, single submitter. Criteria: Submitter's publication. Collection method: clinical testing. Allele origin: germline. Inheritance: Autosomal recessive inheritance. Affected: yes. Observed: 2 homozygotes. Clinical features observed: Involuntary jerking movements (HP:0007087), Falls (HP:0002527), Progressive gait ataxia (HP:0007240), Dysarthria (HP:0001260), Seizures (HP:0001250), Dystonia (HP:0001332), Global developmental delay (HP:0001263), Hypothyroidism (HP:0000821), Acute rhabdomyolysis (HP:0008942), Microcephaly (HP:0000252), Spastic diplegia (HP:0001264), Elevated serum creatine phosphokinase (HP:0003236), and 3 more. Study: TANGO2. Segregation with disease observed.
Comment: Pathogenicity based on finding it in a homozygous state in 2 affected individuals in one family (and presumably in another affected sibling, who was a monozygotic twin) with progressive unsteadiness, seizures, intellectual disability, hypothyroidism, episodes of acute rhabdomyolysis.

OMIM
Classification: Pathogenic for METABOLIC CRISES, RECURRENT, WITH RHABDOMYOLYSIS, CARDIAC ARRHYTHMIAS, AND NEURODEGENERATION. Last evaluated: 2019-05-09. Review status: no assertion criteria provided. Collection method: literature only. Allele origin: germline. Not counted in ClinVar's aggregate classification.

Literature cited by the submitters: PubMed 26805781 (cited by OMIM).